The following is an entry in ClinVar:

ClinVar aggregate classification (germline): Uncertain significance (1 of 4 stars; one submission).

Conditions:
NRP1-related disorder. Also called: NRP1-related condition.

Submission:

PreventionGenetics, part of Exact Sciences
Classification: Uncertain significance for NRP1-related condition. Last evaluated: 2026-02-09. Review status: criteria provided, single submitter. Criteria: ACMG Guidelines, 2015. Collection method: clinical testing. Allele origin: germline.
Comment: The NRP1 c.1234G>A variant is predicted to result in the amino acid substitution p.Glu412Lys. To our knowledge, this variant has not been reported in the literature or in a large population database (gnomAD), indicating this variant is rare. At this time, the clinical significance of this variant is uncertain due to the absence of conclusive functional and genetic evidence.

NM_003873.7(NRP1):c.1234G>A (p.Glu412Lys)

Gene: NRP1 (neuropilin 1; minus strand). Cytogenetic location: 10p11.22.
Variant type: single nucleotide variant.
Coding change: c.1234G>A on transcript NM_003873.7 (MANE Select); coding-DNA position 1234, G replaced by A.
Protein change: p.Glu412Lys; replaces glutamic acid 412 with lysine.
Molecular consequence: missense variant. On other transcripts: non-coding transcript variant (1).
Genome position (GRCh38, 1-based): chr10:33,221,767, C>T on the plus strand (G>A on the coding strand, the complement: NRP1 is on the minus strand). VCF-style: chr10-33221767-C-T. GRCh37 (hg19) VCF-style: chr10-33510695-C-T.
Other names: c.1234G>A, p.Glu412Lys (NM_001024628.3, NM_001024629.3, NM_001244972.2 and 2 more transcripts); short protein forms E412K.
Identifiers: ClinVar variation 4981462 (VCV004981462.1).
Genomic context (GRCh38, chr10:33,221,767, plus strand): 5'-TCCACAGCTTACCTGTTATCTTGCAACCGTATACTTCAAATCTCATAGATATGCCAGTTT[C>T]CCAAGTTGCAGGCTTGATTCGGACAAATCGAGTTATCAGTGGTTTGGGGAATACTGCAAC-3'
Protein context (NP_003864.5, residues 402-422): RFVRIKPATW[Glu412Lys]TGISMRFEVY